The following is an entry in ClinVar:

ClinVar aggregate classification (germline): Uncertain significance. Review status: criteria provided, single submitter (1 of 4 stars). 2 submissions from 2 submitters: Uncertain significance (1). 1 of the submissions does not count toward it. Last evaluated 2021-06-06.

Conditions:
Schimke immuno-osseous dysplasia (SIOD). Also called: Schimke Immunoosseous Dysplasia. Identifiers: Orphanet 1830, MedGen C0877024, MONDO:0009458, OMIM 242900.

Submissions (2):

Labcorp Genetics (formerly Invitae), Labcorp
Classification: Uncertain significance for Schimke immuno-osseous dysplasia. Last evaluated: 2021-06-06. Review status: criteria provided, single submitter. Criteria: Invitae Variant Classification Sherloc (09022015). Collection method: clinical testing. Allele origin: germline.
Comment: This sequence change replaces alanine with threonine at codon 778 of the SMARCAL1 protein (p.Ala778Thr). The alanine residue is weakly conserved and there is a small physicochemical difference between alanine and threonine. This variant is not present in population databases (ExAC no frequency). This variant has not been reported in the literature in individuals with SMARCAL1-related conditions. Algorithms developed to predict the effect of missense changes on protein structure and function output the following: SIFT: "Tolerated"; PolyPhen-2: "Benign"; Align-GVGD: "Class C0". The threonine amino acid residue is found in multiple mammalian species, suggesting that this missense change does not adversely affect protein function. These predictions have not been confirmed by published functional studies and their clinical significance is uncertain. In summary, the available evidence is currently insufficient to determine the role of this variant in disease. Therefore, it has been classified as a Variant of Uncertain Significance.

Natera, Inc.
Classification: Uncertain significance for Schimke immuno-osseous dysplasia. Last evaluated: 2025-04-14. Review status: no assertion criteria provided. Collection method: clinical testing. Allele origin: germline. Not counted in ClinVar's aggregate classification.

NM_014140.4(SMARCAL1):c.2332G>A (p.Ala778Thr)

Gene: SMARCAL1 (SNF2 related chromatin remodeling annealing helicase 1; plus strand). Cytogenetic location: 2q35.
Variant type: single nucleotide variant.
Coding change: c.2332G>A on transcript NM_014140.4 (MANE Select); coding-DNA position 2332, G replaced by A.
Protein change: p.Ala778Thr; replaces alanine 778 with threonine.
Molecular consequence: missense variant.
Genome position (GRCh38, 1-based): chr2:216,475,356, G>A. VCF-style: chr2-216475356-G-A. GRCh37 (hg19) VCF-style: chr2-217340079-G-A.
Other names: c.2332G>A, p.Ala778Thr (NM_001127207.2); c.2332G>A (NM_014140.3); short protein forms A778T.
Identifiers: ClinVar variation 1428453 (VCV001428453.9), dbSNP rs746945317, ClinGen allele CA350504153.
Genomic context (GRCh38, chr2:216,475,356, plus strand): 5'-TCCACCTCATCAGCTGAGCGGGAGGACCTGTGCCAGCAGTTCCAACTGTCGGAGAGGCAT[G>A]CTGTGGCCGTGCTGTCCATCACCGCTGCCAATATGGGCCTCACCTTCTCCTCGGCTGACC-3'
Protein context (NP_054859.2, residues 768-788): CQQFQLSERH[Ala778Thr]VAVLSITAAN